The following is an entry in ClinVar:

NC_000017.11:g.(?_43125271)_(43125483_?)del

Gene: BRCA1 (BRCA1 DNA repair associated; minus strand). Cytogenetic location: 17q21.31.
Variant type: Deletion.
Identifiers: ClinVar variation 830482 (VCV000830482.2).

ClinVar aggregate classification (germline): Uncertain significance (1 of 4 stars; one submission).

Conditions:
Hereditary breast ovarian cancer syndrome. Also called: Hereditary breast and/or ovarian cancer syndrome; Hereditary breast and ovarian cancer syndrome (HBOC); Breast and ovarian cancer; Hereditary breast and ovarian cancer; BRCA1- and BRCA2-Associated Hereditary Breast and Ovarian Cancer; Hereditary breast and ovarian cancer syndrome. Identifiers: Orphanet 145, MedGen C0677776, MeSH D061325, MONDO:0003582. Disease mechanism: loss of function.

Submission:

Labcorp Genetics (formerly Invitae), Labcorp
Classification: Uncertain significance for Hereditary breast and ovarian cancer syndrome. Last evaluated: 2019-05-13. Review status: criteria provided, single submitter. Criteria: Invitae Variant Classification Sherloc (09022015). Collection method: clinical testing. Allele origin: germline.
Comment: This variant occurs in a non-coding region of the BRCA1 gene. It does not change the encoded amino acid sequence of the BRCA1 protein. This variant has not been reported in the literature in individuals with BRCA1-related conditions. Experimental studies and prediction algorithms are not available for this variant, and the functional significance of this non-coding change is currently unknown. In summary, the available evidence is currently insufficient to determine the role of this variant in disease. Therefore, it has been classified as a Variant of Uncertain Significance.